The following is an entry in ClinVar:

NM_000222.3(KIT):c.361G>C (p.Asp121His)

Gene: KIT (KIT proto-oncogene, receptor tyrosine kinase; plus strand). Cytogenetic location: 4q12.
Variant type: single nucleotide variant.
Coding change: c.361G>C on transcript NM_000222.3 (MANE Select); coding-DNA position 361, G replaced by C.
Protein change: p.Asp121His; replaces aspartic acid 121 with histidine.
Molecular consequence: missense variant.
Genome position (GRCh38, 1-based): chr4:54,698,307, G>C. VCF-style: chr4-54698307-G-C. GRCh37 (hg19) VCF-style: chr4-55564473-G-C.
Other names: c.361G>C, p.Asp121His (NM_001093772.2, NM_001385284.1, NM_001385285.1 and 4 more transcripts); short protein forms D121H.
Identifiers: ClinVar variation 2765270 (VCV002765270.3), dbSNP rs2475450282, ClinGen allele CA356897422.
Genomic context (GRCh38, chr4:54,698,307, plus strand): 5'-GCCATTCCAACTACTGATTTTGGATATGCTTCTATAGATCCTGCCAAGCTTTTCCTTGTT[G>C]ACCGCTCCTTGTATGGGAAAGAAGACAACGACACGCTGGTCCGCTGTCCTCTCACAGACC-3'
Protein context (NP_000213.1, residues 111-131): VRDPAKLFLV[Asp121His]RSLYGKEDND

ClinVar aggregate classification (germline): Uncertain significance. Review status: criteria provided, multiple submitters, no conflicts (2 of 4 stars). 2 submissions from 2 submitters: Uncertain significance (2). Last evaluated 2026-07-07.

Conditions:
Gastrointestinal stromal tumor. Also called: Gastrointestinal stroma tumor; Gastrointestinal stromal tumor, somatic. Identifiers: Orphanet 44890, MedGen C0238198, MeSH D046152, MONDO:0011719, OMIM 606764, HP:0100723.
Hereditary cancer-predisposing syndrome. Also called: Hereditary Cancer Syndrome; Hereditary neoplastic syndrome; Neoplastic Syndromes, Hereditary; Tumor predisposition. Identifiers: Orphanet 140162, MedGen C0027672, MeSH D009386, MONDO:0015356.

Submissions (2):

Ambry Genetics
Classification: Uncertain significance for Hereditary cancer-predisposing syndrome. Last evaluated: 2026-07-07. Review status: criteria provided, single submitter. Criteria: Ambry Variant Classification Scheme 2023. Collection method: clinical testing. Allele origin: germline.
Comment: The p.D121H variant (also known as c.361G>C), located in coding exon 3 of the KIT gene, results from a G to C substitution at nucleotide position 361. The aspartic acid at codon 121 is replaced by histidine, an amino acid with similar properties. This amino acid position is conserved. In addition, this alteration is predicted to be tolerated by in silico analysis. Based on the available evidence, the clinical significance of this variant remains unclear.

Labcorp Genetics (formerly Invitae), Labcorp
Classification: Uncertain significance for Gastrointestinal stromal tumor. Last evaluated: 2024-05-14. Review status: criteria provided, single submitter. Criteria: Invitae Variant Classification Sherloc (09022015). Collection method: clinical testing. Allele origin: germline.
Comment: This sequence change replaces aspartic acid, which is acidic and polar, with histidine, which is basic and polar, at codon 121 of the KIT protein (p.Asp121His). This variant is not present in population databases (gnomAD no frequency). This variant has not been reported in the literature in individuals affected with KIT-related conditions. An algorithm developed to predict the effect of missense changes on protein structure and function (PolyPhen-2) suggests that this variant is likely to be disruptive. In summary, the available evidence is currently insufficient to determine the role of this variant in disease. Therefore, it has been classified as a Variant of Uncertain Significance.